The following is an entry in ClinVar:

ClinVar aggregate classification (germline): Uncertain significance (1 of 4 stars; one submission).

Submission:

Labcorp Genetics (formerly Invitae), Labcorp
Classification: Uncertain significance. Last evaluated: 2024-04-10. Review status: criteria provided, single submitter. Criteria: Invitae Variant Classification Sherloc (09022015). Collection method: clinical testing. Allele origin: germline.
Comment: This sequence change replaces phenylalanine, which is neutral and non-polar, with leucine, which is neutral and non-polar, at codon 362 of the C5 protein (p.Phe362Leu). This variant is not present in population databases (gnomAD no frequency). This variant has not been reported in the literature in individuals affected with C5-related conditions. Advanced modeling of protein sequence and biophysical properties (such as structural, functional, and spatial information, amino acid conservation, physicochemical variation, residue mobility, and thermodynamic stability) performed at Invitae indicates that this missense variant is expected to disrupt C5 protein function with a positive predictive value of 80%. In summary, the available evidence is currently insufficient to determine the role of this variant in disease. Therefore, it has been classified as a Variant of Uncertain Significance.

NM_001735.3(C5):c.1084T>C (p.Phe362Leu)

Gene: C5 (complement C5; minus strand). Cytogenetic location: 9q33.2.
Variant type: single nucleotide variant.
Coding change: c.1084T>C on transcript NM_001735.3 (MANE Select); coding-DNA position 1084, T replaced by C.
Protein change: p.Phe362Leu; replaces phenylalanine 362 with leucine.
Molecular consequence: missense variant.
Genome position (GRCh38, 1-based): chr9:121,023,436, A>G on the plus strand (T>C on the coding strand, the complement: C5 is on the minus strand). VCF-style: chr9-121023436-A-G. GRCh37 (hg19) VCF-style: chr9-123785714-A-G.
Other names: c.1102T>C, p.Phe368Leu (NM_001317163.2); c.1084T>C, p.Phe362Leu (NM_001317164.2); short protein forms F362L, F368L.
Identifiers: ClinVar variation 2813893 (VCV002813893.3), dbSNP rs2540436857, ClinGen allele CA374753925.